The following is an entry in ClinVar:

ClinVar aggregate classification (germline): Uncertain significance (1 of 4 stars; one submission).

gnomAD v4.1: 1 of 1,614,282 alleles (0.000062%); highest among the groups gnomAD compares: Non-Finnish European, 0.000085%; no homozygotes.

Submission:

Labcorp Genetics (formerly Invitae), Labcorp
Classification: Uncertain significance. Last evaluated: 2022-08-23. Review status: criteria provided, single submitter. Criteria: Invitae Variant Classification Sherloc (09022015). Collection method: clinical testing. Allele origin: germline.
Comment: Algorithms developed to predict the effect of missense changes on protein structure and function are either unavailable or do not agree on the potential impact of this missense change (SIFT: "Not Available"; PolyPhen-2: "Probably Damaging"; Align-GVGD: "Not Available"). In summary, the available evidence is currently insufficient to determine the role of this variant in disease. Therefore, it has been classified as a Variant of Uncertain Significance. ClinVar contains an entry for this variant (Variation ID: 1046693). This variant has not been reported in the literature in individuals affected with CEP250-related conditions. This variant is not present in population databases (gnomAD no frequency). This sequence change replaces glutamine, which is neutral and polar, with leucine, which is neutral and non-polar, at codon 1420 of the CEP250 protein (p.Gln1420Leu).

NM_007186.6(CEP250):c.4259A>T (p.Gln1420Leu)

Gene: CEP250 (centrosomal protein 250; plus strand). Cytogenetic location: 20q11.22.
Variant type: single nucleotide variant.
Coding change: c.4259A>T on transcript NM_007186.6 (MANE Select); coding-DNA position 4259, A replaced by T.
Protein change: p.Gln1420Leu; replaces glutamine 1420 with leucine.
Molecular consequence: missense variant.
Genome position (GRCh38, 1-based): chr20:35,502,628, A>T. VCF-style: chr20-35502628-A-T. GRCh37 (hg19) VCF-style: chr20-34090456-A-T.
Other names: c.2363A>T, p.Gln788Leu (NM_001318219.1); short protein forms Q1420L, Q788L.
Identifiers: ClinVar variation 1046693 (VCV001046693.8), dbSNP rs2064042982, ClinGen allele CA408747803.